The following is an entry in ClinVar:

ClinVar aggregate classification (germline): Uncertain significance (1 of 4 stars; one submission).

Allele frequency attached by ClinVar (database versions not stated): gnomAD exomes below 0.00001.
gnomAD v4.1: 1 of 1,595,998 alleles (0.000063%); highest among the groups gnomAD compares: Non-Finnish European, 0.000085%; no homozygotes.

Submission:

CeGaT Center for Human Genetics Tuebingen
Classification: Uncertain significance. Last evaluated: 2026-04-01. Review status: criteria provided, single submitter. Criteria: CeGaT Center For Human Genetics Tuebingen Variant Classification Criteria Version 2. Collection method: clinical testing. Allele origin: germline. Affected: yes. Observed: 1 variant allele.
Comment: NAA15: PM2, PS2:Supporting, PS4:Supporting

NM_057175.5(NAA15):c.1882A>G (p.Lys628Glu)

Gene: NAA15 (N-alpha-acetyltransferase 15, NatA auxiliary subunit; plus strand). Cytogenetic location: 4q31.1.
Variant type: single nucleotide variant.
Coding change: c.1882A>G on transcript NM_057175.5 (MANE Select); coding-DNA position 1882, A replaced by G.
Protein change: p.Lys628Glu; replaces lysine 628 with glutamic acid.
Molecular consequence: missense variant.
Genome position (GRCh38, 1-based): chr4:139,370,339, A>G. VCF-style: chr4-139370339-A-G. GRCh37 (hg19) VCF-style: chr4-140291493-A-G.
Other names: short protein forms K628E.
Identifiers: ClinVar variation 1695110 (VCV001695110.31), dbSNP rs2110977471, ClinGen allele CA358269641.